The following is an entry in ClinVar:

NM_001378454.1(ALMS1):c.11789A>G (p.Glu3930Gly)

Gene: ALMS1 (ALMS1 centrosome and basal body associated protein; plus strand). Cytogenetic location: 2p13.1.
Variant type: single nucleotide variant.
Coding change: c.11789A>G on transcript NM_001378454.1 (MANE Select); coding-DNA position 11789, A replaced by G.
Protein change: p.Glu3930Gly; replaces glutamic acid 3930 with glycine.
Molecular consequence: missense variant.
Genome position (GRCh38, 1-based): chr2:73,600,798, A>G. VCF-style: chr2-73600798-A-G. GRCh37 (hg19) VCF-style: chr2-73827925-A-G.
Other names: c.11792A>G, p.Glu3931Gly (NM_015120.4); short protein forms E3930G, E3931G.
Identifiers: ClinVar variation 5008275 (VCV005008275.1).

ClinVar aggregate classification (germline): Uncertain significance (1 of 4 stars; one submission).

gnomAD v4.1: 14 of 1,614,128 alleles (0.00087%); highest among the groups gnomAD compares: South Asian, 0.015%; no homozygotes.

Submission:

GeneDx
Classification: Uncertain significance. Last evaluated: 2026-02-28. Review status: criteria provided, single submitter. Criteria: GeneDx Variant Classification Process June 2021. Collection method: clinical testing. Allele origin: germline.
Comment: In silico analysis supports that this missense variant has a deleterious effect on protein structure/function; Has not been previously published as pathogenic or benign to our knowledge